The following is an entry in ClinVar:

NM_025144.4(ALPK1):c.1978C>T (p.Pro660Ser)

Gene: ALPK1 (alpha kinase 1; plus strand). Cytogenetic location: 4q25.
Variant type: single nucleotide variant.
Coding change: c.1978C>T on transcript NM_025144.4 (MANE Select); coding-DNA position 1978, C replaced by T.
Protein change: p.Pro660Ser; replaces proline 660 with serine.
Molecular consequence: missense variant.
Genome position (GRCh38, 1-based): chr4:112,431,525, C>T. VCF-style: chr4-112431525-C-T. GRCh37 (hg19) VCF-style: chr4-113352681-C-T.
Other names: c.1978C>T, p.Pro660Ser (NM_001102406.2); c.1744C>T, p.Pro582Ser (NM_001253884.2); c.1978C>T (NM_025144.3); short protein forms P582S, P660S.
Identifiers: ClinVar variation 2151299 (VCV002151299.5), dbSNP rs775074954, ClinGen allele CA3046835.

ClinVar aggregate classification (germline): Conflicting classifications of pathogenicity. Review status: criteria provided, conflicting classifications (1 of 4 stars). 2 submissions from 2 submitters: Uncertain significance (1); Likely benign (1). Last evaluated 2026-01-06.

Conditions:
Inborn genetic diseases. Identifiers: MedGen C0950123, MeSH D030342.

gnomAD v4.1: 15 of 1,614,040 alleles (0.00093%); highest among the groups gnomAD compares: Admixed American, 0.018%; no homozygotes.

Submissions (2):

Labcorp Genetics (formerly Invitae), Labcorp
Classification: Uncertain significance. Last evaluated: 2026-01-06. Review status: criteria provided, single submitter. Criteria: Invitae Variant Classification Sherloc (09022015). Collection method: clinical testing. Allele origin: germline.
Comment: This sequence change replaces proline, which is neutral and non-polar, with serine, which is neutral and polar, at codon 660 of the ALPK1 protein (p.Pro660Ser). This variant is present in population databases (rs775074954, gnomAD 0.01%). This variant has not been reported in the literature in individuals affected with ALPK1-related conditions. ClinVar contains an entry for this variant (Variation ID: 2151299). Invitae Evidence Modeling of protein sequence and biophysical properties (such as structural, functional, and spatial information, amino acid conservation, physicochemical variation, residue mobility, and thermodynamic stability) indicates that this missense variant is not expected to disrupt ALPK1 protein function with a negative predictive value of 80%. In summary, the available evidence is currently insufficient to determine the role of this variant in disease. Therefore, it has been classified as a Variant of Uncertain Significance.

Ambry Genetics
Classification: Likely benign for Inborn genetic diseases. Last evaluated: 2025-08-21. Review status: criteria provided, single submitter. Criteria: Ambry Variant Classification Scheme 2023. Collection method: clinical testing. Allele origin: germline.